The following is an entry in ClinVar:

ClinVar aggregate classification (germline): Uncertain significance (1 of 4 stars; one submission).

Conditions:
Hereditary pancreatitis (PCTT). Also called: PRSS1-Related Hereditary Pancreatitis; Hereditary chronic pancreatitis. Identifiers: Orphanet 676, MedGen C0238339, MONDO:0008185, OMIM 167800.

Submission:

Ambry Genetics
Classification: Uncertain significance for Hereditary pancreatitis. Last evaluated: 2025-02-08. Review status: criteria provided, single submitter. Criteria: Ambry Variant Classification Scheme 2023. Collection method: clinical testing. Allele origin: germline.
Comment: The p.A12T variant (also known as c.34G>A), located in coding exon 1 of the CTRC gene, results from a G to A substitution at nucleotide position 34. The alanine at codon 12 is replaced by threonine, an amino acid with similar properties. This amino acid position is conserved. In addition, the in silico prediction for this alteration is inconclusive. Based on the available evidence, the clinical significance of this variant remains unclear.

NM_007272.3(CTRC):c.34G>A (p.Ala12Thr)

Gene: CTRC (chymotrypsin C; plus strand). Cytogenetic location: 1p36.21.
Variant type: single nucleotide variant.
Coding change: c.34G>A on transcript NM_007272.3 (MANE Select); coding-DNA position 34, G replaced by A.
Protein change: p.Ala12Thr; replaces alanine 12 with threonine.
Molecular consequence: missense variant.
Genome position (GRCh38, 1-based): chr1:15,438,498, G>A. VCF-style: chr1-15438498-G-A. GRCh37 (hg19) VCF-style: chr1-15764994-G-A.
Other names: short protein forms A12T.
Identifiers: ClinVar variation 3837291 (VCV003837291.1).